The following is an entry in ClinVar:

NM_004655.4(AXIN2):c.1842C>T (p.Asp614=)

Gene: AXIN2 (axin 2; minus strand). Cytogenetic location: 17q24.1.
Variant type: single nucleotide variant.
Coding change: c.1842C>T on transcript NM_004655.4 (MANE Select); coding-DNA position 1842, C replaced by T.
Protein change: p.Asp614=; no amino-acid change (aspartic acid 614 retained).
Molecular consequence: synonymous variant. On other transcripts: intron variant (1).
Genome position (GRCh38, 1-based): chr17:65,536,934, G>A on the plus strand (C>T on the coding strand, the complement: AXIN2 is on the minus strand). VCF-style: chr17-65536934-G-A. GRCh37 (hg19) VCF-style: chr17-63533052-G-A.
Other names: c.1713-381C>T (NM_001363813.1).
Identifiers: ClinVar variation 2819084 (VCV002819084.5), dbSNP rs373339394, ClinGen allele CA8718513.

ClinVar aggregate classification (germline): Benign/Likely benign. Review status: criteria provided, multiple submitters, no conflicts (2 of 4 stars). 3 submissions from 3 submitters: Benign (1); Likely benign (2). Last evaluated 2025-06-14.

Conditions:
Oligodontia-cancer predisposition syndrome. Also called: TOOTH AGENESIS-COLORECTAL CANCER SYNDROME. Identifiers: Orphanet 300576, MedGen C1837750, MONDO:0012075, OMIM 608615. Disease mechanism: loss of function.
Hereditary cancer-predisposing syndrome. Also called: Neoplastic Syndromes, Hereditary; Tumor predisposition; Hereditary Cancer Syndrome; Hereditary neoplastic syndrome. Identifiers: Orphanet 140162, MedGen C0027672, MeSH D009386, MONDO:0015356.

gnomAD v4.1: 1 of 1,613,536 alleles (0.000062%); highest among the groups gnomAD compares: African/African-American, 0.0013%; no homozygotes.

Submissions (3):

Ambry Genetics
Classification: Likely benign for Hereditary cancer-predisposing syndrome. Last evaluated: 2025-06-14. Review status: criteria provided, single submitter. Criteria: Ambry Variant Classification Scheme 2023. Collection method: clinical testing. Allele origin: germline.

Myriad Genetics, Inc.
Classification: Benign for Oligodontia-cancer predisposition syndrome. Last evaluated: 2024-07-08. Review status: criteria provided, single submitter. Criteria: Myriad Autosomal Dominant, Autosomal Recessive and X-Linked Classification Criteria (2023). Collection method: clinical testing. Allele origin: unknown.
Comment: This variant is considered benign. This variant is a silent/synonymous amino acid change and it is not expected to impact splicing.

Labcorp Genetics (formerly Invitae), Labcorp
Classification: Likely benign for Oligodontia-cancer predisposition syndrome. Last evaluated: 2024-04-16. Review status: criteria provided, single submitter. Criteria: Invitae Variant Classification Sherloc (09022015). Collection method: clinical testing. Allele origin: germline.